The following is an entry in ClinVar:

ClinVar aggregate classification (germline): Conflicting classifications of pathogenicity. Review status: criteria provided, conflicting classifications (1 of 4 stars). 2 submissions from 2 submitters: Uncertain significance (1); Likely benign (1). Last evaluated 2024-04-25.

Conditions:
Long QT syndrome (LQTS). Identifiers: MedGen C0023976, MeSH D008133, MONDO:0002442. Disease mechanism: loss of function. Inheritance: Various modes of inheritance.
Long QT syndrome 2 (LQT2). Identifiers: Orphanet 101016, Orphanet 768, MedGen C3150943, MONDO:0013367, OMIM 613688.

gnomAD v4.1: 3 of 1,598,406 alleles (0.00019%); highest among the groups gnomAD compares: South Asian, 0.0034%; no homozygotes.

Submissions (2):

All of Us Research Program, National Institutes of Health
Classification: Likely benign for Long QT syndrome. Last evaluated: 2024-04-25. Review status: criteria provided, single submitter. Criteria: ACMG Guidelines, 2015. Collection method: clinical testing. Allele origin: germline. Inheritance: Autosomal dominant inheritance. Observed: 1 variant allele, 1 heterozygote.
Comment: This study involves interpretation of variants in research participants for the purpose of population health screening. Participant phenotype was not available at the time of variant classification. Additional details can be found in publication PMID: 35346344, PMCID: PMC8962531

Baylor Genetics
Classification: Uncertain significance for Long QT syndrome 2. Last evaluated: 2018-02-05. Review status: criteria provided, single submitter. Criteria: ACMG Guidelines, 2015. Collection method: clinical testing. Allele origin: maternal. Affected: yes.
Comment: This variant was determined to be of uncertain significance according to ACMG Guidelines, 2015 [PMID:25741868].

NM_000238.4(KCNH2):c.2966-12C>G

Gene: KCNH2 (potassium voltage-gated channel subfamily H member 2; minus strand). Cytogenetic location: 7q36.1.
Variant type: single nucleotide variant.
Coding change: c.2966-12C>G on transcript NM_000238.4 (MANE Select); 12 bases into the intron before coding-DNA position 2966, C replaced by G.
Molecular consequence: intron variant.
Genome position (GRCh38, 1-based): chr7:150,947,526, G>C on the plus strand (C>G on the coding strand, the complement: KCNH2 is on the minus strand). VCF-style: chr7-150947526-G-C. GRCh37 (hg19) VCF-style: chr7-150644614-G-C.
Other names: c.1946-12C>G (NM_172057.3).
Identifiers: ClinVar variation 1034121 (VCV001034121.2), dbSNP rs1800949572, ClinGen allele CA1752429525.